The following is an entry in ClinVar:

ClinVar aggregate classification (germline): Uncertain significance (1 of 4 stars; one submission).

Submission:

Labcorp Genetics (formerly Invitae), Labcorp
Classification: Uncertain significance. Last evaluated: 2022-11-29. Review status: criteria provided, single submitter. Criteria: Invitae Variant Classification Sherloc (09022015). Collection method: clinical testing. Allele origin: germline.
Comment: In summary, the available evidence is currently insufficient to determine the role of this variant in disease. Therefore, it has been classified as a Variant of Uncertain Significance. This variant has not been reported in the literature in individuals affected with EMC1-related conditions. This variant is a gross deletion of the genomic region encompassing exon(s) 18-23 of the EMC1 gene, which includes the termination codon. This deletion extends beyond the assayed region for this gene and therefore may encompass additional genes. While this deletion is not anticipated to lead to nonsense mediated decay, it is expected to alter mRNA translation or result in a truncated protein product.

NC_000001.10:g.(?_19545797)_(19553964_?)del

Gene: EMC1 (ER membrane protein complex subunit 1; minus strand). Cytogenetic location: 1p36.13.
Variant type: Deletion.
Identifiers: ClinVar variation 2426043 (VCV002426043.4).